The following is an entry in ClinVar:

ClinVar aggregate classification (germline): Uncertain significance. Review status: criteria provided, multiple submitters, no conflicts (2 of 4 stars). 2 submissions from 2 submitters: Uncertain significance (2). Last evaluated 2022-10-21.

Conditions:
Cardiovascular phenotype. Identifiers: MedGen CN230736.

Allele frequency attached by ClinVar (database versions not stated): gnomAD exomes below 0.00001.
gnomAD v4.1: 1 of 1,614,176 alleles (0.000062%); highest among the groups gnomAD compares: Non-Finnish European, 0.000085%; no homozygotes.

Submissions (2):

Ambry Genetics
Classification: Uncertain significance for Cardiovascular phenotype. Last evaluated: 2022-10-21. Review status: criteria provided, single submitter. Criteria: Ambry Variant Classification Scheme 2023. Collection method: clinical testing. Allele origin: germline.
Comment: The p.A455D variant (also known as c.1364C>A), located in coding exon 10 of the SCN10A gene, results from a C to A substitution at nucleotide position 1364. The alanine at codon 455 is replaced by aspartic acid, an amino acid with dissimilar properties. This amino acid position is conserved. In addition, the in silico prediction for this alteration is inconclusive. Since supporting evidence is limited at this time, the clinical significance of this alteration remains unclear.

GeneDx
Classification: Uncertain significance. Last evaluated: 2022-01-28. Review status: criteria provided, single submitter. Criteria: GeneDx Variant Classification Process June 2021. Collection method: clinical testing. Allele origin: germline. Affected: yes.
Comment: Not observed at significant frequency in large population cohorts (gnomAD); In silico analysis supports that this missense variant has a deleterious effect on protein structure/function; Has not been previously published as pathogenic or benign to our knowledge

NM_006514.4(SCN10A):c.1364C>A (p.Ala455Asp)

Gene: SCN10A (sodium voltage-gated channel alpha subunit 10; minus strand). Cytogenetic location: 3p22.2.
Variant type: single nucleotide variant.
Coding change: c.1364C>A on transcript NM_006514.4 (MANE Select); coding-DNA position 1364, C replaced by A.
Protein change: p.Ala455Asp; replaces alanine 455 with aspartic acid.
Molecular consequence: missense variant.
Genome position (GRCh38, 1-based): chr3:38,755,885, G>T on the plus strand (C>A on the coding strand, the complement: SCN10A is on the minus strand). VCF-style: chr3-38755885-G-T. GRCh37 (hg19) VCF-style: chr3-38797376-G-T.
Other names: c.1364C>A, p.Ala455Asp (NM_001293306.2, NM_001293307.2); short protein forms A455D.
Identifiers: ClinVar variation 1699876 (VCV001699876.4), dbSNP rs1039004616, ClinGen allele CA72990250.